The following is an entry in ClinVar:

ClinVar aggregate classification (germline): Uncertain significance. Review status: criteria provided, multiple submitters, no conflicts (2 of 4 stars). 2 submissions from 2 submitters: Uncertain significance (2). Last evaluated 2025-01-22.

Allele frequency attached by ClinVar (database versions not stated): TOPMed 0.00007; ExAC 0.00008; gnomAD exomes 0.00004; gnomAD 0.00007.
gnomAD v4.1: 78 of 1,613,128 alleles (0.0048%); highest among the groups gnomAD compares: Middle Eastern, 0.016%; no homozygotes.

Submissions (2):

Ambry Genetics
Classification: Uncertain significance. Last evaluated: 2025-01-22. Review status: criteria provided, single submitter. Criteria: Ambry Variant Classification Scheme 2023. Collection method: clinical testing. Allele origin: germline.

Labcorp Genetics (formerly Invitae), Labcorp
Classification: Uncertain significance. Last evaluated: 2024-05-07. Review status: criteria provided, single submitter. Criteria: Invitae Variant Classification Sherloc (09022015). Collection method: clinical testing. Allele origin: germline.
Comment: This sequence change replaces isoleucine, which is neutral and non-polar, with valine, which is neutral and non-polar, at codon 1158 of the ATP13A3 protein (p.Ile1158Val). This variant is present in population databases (rs201472338, gnomAD 0.02%). This variant has not been reported in the literature in individuals affected with ATP13A3-related conditions. ClinVar contains an entry for this variant (Variation ID: 2072768). Advanced modeling of protein sequence and biophysical properties (such as structural, functional, and spatial information, amino acid conservation, physicochemical variation, residue mobility, and thermodynamic stability) performed at Invitae indicates that this missense variant is not expected to disrupt ATP13A3 protein function with a negative predictive value of 80%. In summary, the available evidence is currently insufficient to determine the role of this variant in disease. Therefore, it has been classified as a Variant of Uncertain Significance.

NM_001367549.1(ATP13A3):c.3472A>G (p.Ile1158Val)

Gene: ATP13A3 (ATPase 13A3; minus strand). Cytogenetic location: 3q29.
Variant type: single nucleotide variant.
Coding change: c.3472A>G on transcript NM_001367549.1 (MANE Select); coding-DNA position 3472, A replaced by G.
Protein change: p.Ile1158Val; replaces isoleucine 1158 with valine.
Molecular consequence: missense variant. On other transcripts: non-coding transcript variant (2).
Genome position (GRCh38, 1-based): chr3:194,413,770, T>C on the plus strand (A>G on the coding strand, the complement: ATP13A3 is on the minus strand). VCF-style: chr3-194413770-T-C. GRCh37 (hg19) VCF-style: chr3-194134499-T-C.
Other names: c.3391A>G, p.Ile1131Val (NM_001374836.1); c.3472A>G, p.Ile1158Val (NM_024524.4); short protein forms I1131V, I1158V.
Identifiers: ClinVar variation 2072768 (VCV002072768.6), dbSNP rs201472338, ClinGen allele CA2761407.
Genomic context (GRCh38, chr3:194,413,770, plus strand): 5'-CAAGAATTCCAAAGCAACATGGTAGCCATTTGACTATGGAAGTGCTTACCTCCACTGTGA[T>C]AGACACAAAGGCATTGACAAGAACAATGATGAGCATAGTTACACGCCACTGATATGGTAC-3'
Protein context (NP_001354478.1, residues 1148-1168): IIVLVNAFVS[Ile1158Val]TVENFFLDMV